The following is an entry in ClinVar:

NM_017696.3(MCM9):c.2529del (p.His843fs)

Gene: MCM9 (minichromosome maintenance 9 homologous recombination repair factor; minus strand). Cytogenetic location: 6q22.31.
Variant type: Deletion.
Coding change: c.2529del on transcript NM_017696.3 (MANE Select); coding-DNA position 2529, one base deleted (T; older notation c.2529delT).
Protein change: p.His843fs; shifts the reading frame from histidine 843.
Molecular consequence: frameshift variant. On other transcripts: 3 prime UTR variant (4), non-coding transcript variant (1).
Genome position (GRCh38, 1-based): chr6:118,815,727, A deleted on the plus strand (T on the coding strand, the reverse complement: MCM9 is on the minus strand). VCF-style (leftmost placement, unchanged base first): chr6-118815726-CA-C. GRCh37 (hg19) VCF-style: chr6-119136889-CA-C.
Other names: c.2529del, p.His843fs (NM_001378356.1, NM_001378357.1); c.*436del (NM_001378359.1, NM_001378360.1, NM_001378366.1 and 1 more transcripts); c.2325del, p.His775fs (NM_001378364.1); short protein forms H775fs, H843fs.
Identifiers: ClinVar variation 3898706 (VCV003898706.7).

ClinVar aggregate classification (germline): Uncertain significance (1 of 4 stars; one submission).

Submission:

CeGaT Center for Human Genetics Tuebingen
Classification: Uncertain significance. Last evaluated: 2025-04-01. Review status: criteria provided, single submitter. Criteria: CeGaT Center For Human Genetics Tuebingen Variant Classification Criteria Version 2. Collection method: clinical testing. Allele origin: germline. Affected: yes. Observed: 1 variant allele.
Comment: MCM9: PM2, PVS1:Supporting